The following is an entry in ClinVar:

NM_007294.4(BRCA1):c.4447del (p.Ser1483fs)

Gene: BRCA1 (BRCA1 DNA repair associated; minus strand). Cytogenetic location: 17q21.31.
Variant type: Deletion.
Coding change: c.4447del on transcript NM_007294.4 (MANE Select); coding-DNA position 4447, one base deleted (A; older notation c.4447delA).
Protein change: p.Ser1483fs; shifts the reading frame from serine 1483.
Molecular consequence: frameshift variant. On other transcripts: non-coding transcript variant (1).
Genome position (GRCh38, 1-based): chr17:43,076,525, T deleted on the plus strand (A on the coding strand, the reverse complement: BRCA1 is on the minus strand). VCF-style (leftmost placement, unchanged base first): chr17-43076524-CT-C. GRCh37 (hg19) VCF-style: chr17-41228541-CT-C.
Other names: c.4234delA, p.Ser1412Valfs (NM_001407571.1, NM_001407894.1, NM_001407895.1 and 12 more transcripts); c.4513delA, p.Ser1505Valfs (NM_001407581.1, NM_001407582.1); c.4510delA, p.Ser1504Valfs (NM_001407583.1, NM_001407585.1, NM_001407587.1); c.4507delA, p.Ser1503Valfs (NM_001407590.1, NM_001407591.1); c.4447delA, p.Ser1483Valfs (NM_001407593.1, NM_001407594.1, NM_001407596.1 and 8 more transcripts); c.4444delA, p.Ser1482Valfs (NM_001407610.1, NM_001407611.1, NM_001407612.1 and 17 more transcripts); c.4441delA, p.Ser1481Valfs (NM_001407627.1, NM_001407628.1, NM_001407629.1 and 14 more transcripts); c.4438delA, p.Ser1480Valfs (NM_001407644.1, NM_001407645.1); and 71 more; short protein forms S1504fs, S379fs, S1436fs, S1483fs.
Identifiers: ClinVar variation 55200 (VCV000055200.3), dbSNP rs397509177, ClinGen allele CA002854.

ClinVar aggregate classification (germline): Pathogenic. Review status: reviewed by expert panel (3 of 4 stars). 2 submissions from 2 submitters: Pathogenic (1). 1 of the submissions does not count toward it. Last evaluated 2017-12-15.

Conditions:
Breast-ovarian cancer, familial, susceptibility to, 1 (BROVCA1). Also called: BRCA1 Hereditary Breast and Ovarian Cancer; OVARIAN CANCER, SUSCEPTIBILITY TO. Identifiers: Orphanet 145, MedGen C2676676, MONDO:0011450, OMIM 604370. Disease mechanism: loss of function.
Familial cancer of breast. Also called: hereditary breast carcinoma; BREAST CANCER, FAMILIAL; Hereditary breast cancer. Identifiers: Orphanet 227535, MedGen C0346153, MONDO:0016419, OMIM 114480. Disease mechanism: loss of function.

Submissions (2):

Evidence-based Network for the Interpretation of Germline Mutant Alleles (ENIGMA)
Classification: Pathogenic for Breast-ovarian cancer, familial, susceptibility to, 1. Last evaluated: 2017-12-15. Review status: reviewed by expert panel. Criteria: ENIGMA BRCA1/2 Classification Criteria (2017-06-29). Collection method: curation. Allele origin: germline. Study: ENIGMA.
Comment: Variant allele predicted to encode a truncated non-functional protein.

ClinVar Staff, National Center for Biotechnology Information (NCBI)
No classification provided. Condition: Familial cancer of breast. Review status: no classification provided. Collection method: literature only. Allele origin: germline. Affected: yes. Not counted in ClinVar's aggregate classification.

Literature cited by the submitters: PubMed 16026807 (cited by ClinVar Staff, National Center for Biotechnology Information (NCBI)).